The following is an entry in ClinVar:

ClinVar aggregate classification (germline): Pathogenic (1 of 4 stars; one submission).

Conditions:
Supravalvar aortic stenosis (SVAS). Also called: Supravalvar aortic stenosis, Eisenberg type. Identifiers: Orphanet 3193, MedGen C0003499, MONDO:0008504, OMIM 185500, HP:0004381.

Submission:

Labcorp Genetics (formerly Invitae), Labcorp
Classification: Pathogenic for Supravalvar aortic stenosis. Last evaluated: 2023-10-05. Review status: criteria provided, single submitter. Criteria: Invitae Variant Classification Sherloc (09022015). Collection method: clinical testing. Allele origin: germline.
Comment: This sequence change affects the initiator methionine of the ELN mRNA. There are no downstream in-frame methionine residues; therefore, it is expected to result in an absent or disrupted protein product. Loss-of-function variants in ELN are known to be pathogenic (PMID: 9215670, 11175284). This variant is not present in population databases (gnomAD no frequency). Disruption of the initiator codon has been observed in individuals with syndromic structural heart defects (PMID: 10942104, 22740173). For these reasons, this variant has been classified as Pathogenic.

Literature cited by the submitters: PubMed 9215670; PubMed 11175284; PubMed 10942104; PubMed 22740173.

NM_000501.4(ELN):c.1A>G (p.Met1Val)

Gene: ELN (elastin; plus strand). Cytogenetic location: 7q11.23.
Variant type: single nucleotide variant.
Coding change: c.1A>G on transcript NM_000501.4 (MANE Select); coding-DNA position 1, A replaced by G.
Protein change: p.Met1Val; changes the start codon (methionine 1).
Molecular consequence: missense variant, initiator codon variant.
Genome position (GRCh38, 1-based): chr7:74,028,188, A>G. VCF-style: chr7-74028188-A-G. GRCh37 (hg19) VCF-style: chr7-73442518-A-G.
Other names: c.1A>G, p.Met1Val (NM_001081752.3, NM_001081753.3, NM_001081754.3 and 9 more transcripts); short protein forms M1V.
Identifiers: ClinVar variation 2735031 (VCV002735031.3), dbSNP rs2484435508, ClinGen allele CA367868620.
Genomic context (GRCh38, chr7:74,028,188, plus strand): 5'-CAATTAGGCTTTGGGGATAAAACGAGGTGCGGAGAGCGGGCTGGGGCATTTCTCCCCGAG[A>G]TGGCGGGTCTGACGGCGGCGGCCCCGCGGCCCGGAGTCCTCCTGCTCCTGCTGTCCATCC-3'
Protein context (NP_000492.2, residues 1-11): [Met1Val]AGLTAAAPRP